The following is an entry in ClinVar:

NM_001159773.2(CANT1):c.*829G>A

Gene: CANT1 (calcium activated nucleotidase 1; minus strand). Cytogenetic location: 17q25.3.
Variant type: single nucleotide variant.
Coding change: c.*829G>A on transcript NM_001159773.2 (MANE Select); 829 bases downstream of the stop codon, G replaced by A.
Molecular consequence: 3 prime UTR variant.
Genome position (GRCh38, 1-based): chr17:78,992,721, C>T on the plus strand (G>A on the coding strand, the complement: CANT1 is on the minus strand). VCF-style: chr17-78992721-C-T. GRCh37 (hg19) VCF-style: chr17-76988803-C-T.
Other names: c.*829G>A (NM_001159772.2, NM_138793.4).
Identifiers: ClinVar variation 325682 (VCV000325682.6), dbSNP rs115856545, ClinGen allele CA8808443.
Genomic context (GRCh38, chr17:78,992,721, plus strand): 5'-AAGGCAACATTTTCTTTATCTTTGTATCCATTGGCCAAGAACGCCGACATGTGAGACTTG[C>T]TTCACCAGCCGCCACCGCTTCCTTACAATCTCCCGCACTGCTGGAGCGGGCTGGGTAACT-3'

ClinVar aggregate classification (germline): Benign. Review status: criteria provided, multiple submitters, no conflicts (2 of 4 stars). 2 submissions from 2 submitters: Benign (2). Last evaluated 2018-01-12.

Conditions:
Desbuquois dysplasia 1 (DBQD1). Also called: MICROMELIC DWARFISM WITH VERTEBRAL AND METAPHYSEAL ABNORMALITIES AND ADVANCED CARPOTARSAL OSSIFICATION; DESBUQUOIS DYSPLASIA 1, KIM VARIANT. Identifiers: Orphanet 1425, MedGen C4012146, MONDO:0009629, OMIM 251450.

Allele frequency attached by ClinVar (database versions not stated): gnomAD exomes 0.02319 and 0.02452; gnomAD 0.02335 and 0.02343; TOPMed 0.02407; ESP Exome Variant Server 0.02564; 1000 Genomes Project 30x 0.02577; 1000 Genomes Project 0.02736; ExAC 0.02823.
gnomAD v4.1: 14,528 of 596,736 alleles (2.4%); highest among the groups gnomAD compares: East Asian, 3.3%; 202 homozygotes.

Submissions (2):

Illumina Laboratory Services, Illumina
Classification: Benign for Desbuquois dysplasia 1. Last evaluated: 2018-01-12. Review status: criteria provided, single submitter. Criteria: ICSL Variant Classification Criteria 13 December 2019. Collection method: clinical testing. Allele origin: germline.
Comment: This variant was observed in the ICSL laboratory as part of a predisposition screen in an ostensibly healthy population. It had not been previously curated by ICSL or reported in the Human Gene Mutation Database (HGMD: prior to June 1st, 2018), and was therefore a candidate for classification through an automated scoring system. Utilizing variant allele frequency, disease prevalence and penetrance estimates, and inheritance mode, an automated score was calculated to assess if this variant is too frequent to cause the disease. Based on the score and internal cut-off values, a variant classified as benign is not then subjected to further curation. The score for this variant resulted in a classification of benign for this disease.

Breakthrough Genomics
Classification: Benign. Review status: criteria provided, single submitter. Criteria: ACMG Guidelines, 2015. Collection method: not provided. Allele origin: germline. Inheritance: Autosomal recessive inheritance. Affected: yes.